The following is an entry in ClinVar:

ClinVar aggregate classification (germline): Conflicting classifications of pathogenicity. Review status: criteria provided, conflicting classifications (1 of 4 stars). 2 submissions from 2 submitters: Uncertain significance (1); Likely benign (1). Last evaluated 2025-02-04.

gnomAD v4.1: 3 of 1,614,164 alleles (0.00019%); highest among the groups gnomAD compares: Non-Finnish European, 0.00017%; no homozygotes.

Submissions (2):

Ambry Genetics
Classification: Likely benign. Last evaluated: 2025-02-04. Review status: criteria provided, single submitter. Criteria: Ambry Variant Classification Scheme 2023. Collection method: clinical testing. Allele origin: germline.

Labcorp Genetics (formerly Invitae), Labcorp
Classification: Uncertain significance. Last evaluated: 2022-09-28. Review status: criteria provided, single submitter. Criteria: Invitae Variant Classification Sherloc (09022015). Collection method: clinical testing. Allele origin: germline.
Comment: In summary, the available evidence is currently insufficient to determine the role of this variant in disease. Therefore, it has been classified as a Variant of Uncertain Significance. This sequence change replaces aspartic acid, which is acidic and polar, with asparagine, which is neutral and polar, at codon 1513 of the DLC1 protein (p.Asp1513Asn). This variant is not present in population databases (gnomAD no frequency). This variant has not been reported in the literature in individuals affected with DLC1-related conditions. Algorithms developed to predict the effect of missense changes on protein structure and function are either unavailable or do not agree on the potential impact of this missense change (SIFT: "Deleterious"; PolyPhen-2: "Probably Damaging"; Align-GVGD: "Class C0").

NM_182643.3(DLC1):c.4537G>A (p.Asp1513Asn)

Gene: DLC1 (DLC1 Rho GTPase activating protein; minus strand). Cytogenetic location: 8p22.
Variant type: single nucleotide variant.
Coding change: c.4537G>A on transcript NM_182643.3 (MANE Select); coding-DNA position 4537, G replaced by A.
Protein change: p.Asp1513Asn; replaces aspartic acid 1513 with asparagine.
Molecular consequence: missense variant.
Genome position (GRCh38, 1-based): chr8:13,085,861, C>T on the plus strand (G>A on the coding strand, the complement: DLC1 is on the minus strand). VCF-style: chr8-13085861-C-T. GRCh37 (hg19) VCF-style: chr8-12943370-C-T.
Other names: c.4537G>A (NM_182643.2); c.3004G>A, p.Asp1002Asn (NM_001164271.2, NM_001348082.2, NM_001348083.1 and 6 more transcripts); c.3328G>A, p.Asp1110Asn (NM_001316668.2); c.4537G>A, p.Asp1513Asn (NM_001348081.2, NM_001413124.1); c.3109G>A, p.Asp1037Asn (NM_001413129.1); c.3319G>A, p.Asp1107Asn (NM_001413130.1); c.2977G>A, p.Asp993Asn (NM_001413131.1, NM_001413137.1); c.3463G>A, p.Asp1155Asn (NM_001413132.1); and 3 more; short protein forms D1002N, D993N, D1121N, D1155N, D1003N, D1107N, D1110N, D1513N.
Identifiers: ClinVar variation 2041358 (VCV002041358.7), dbSNP rs373060484, ClinGen allele CA172179109.